The following is an entry in ClinVar:

NM_001365276.2(TNXB):c.6221-2_6221-1delinsCA

Gene: TNXB (tenascin XB; minus strand). Cytogenetic location: 6p21.33.
Variant type: Indel.
Coding change: c.6221-2_6221-1delinsCA on transcript NM_001365276.2 (MANE Select); the canonical splice acceptor site of the intron before coding-DNA position 6221, AG replaced by CA.
Molecular consequence: splice acceptor variant.
Genome position (GRCh38, 1-based): chr6:32,067,985-32,067,986, CT replaced by TG on the plus strand (AG replaced by CA on the coding strand, the reverse complement: TNXB is on the minus strand). VCF-style: chr6-32067985-CT-TG. GRCh37 (hg19) VCF-style: chr6-32035762-CT-TG.
Other names: c.6221-2_6221-1delinsCA (NM_019105.8).
Identifiers: ClinVar variation 3236790 (VCV003236790.6), dbSNP rs2483565897.

ClinVar aggregate classification (germline): Conflicting classifications of pathogenicity. Review status: criteria provided, conflicting classifications (1 of 4 stars). 5 submissions from 5 submitters: Likely pathogenic (4); Uncertain significance (1). Last evaluated 2026-05-11.

Conditions:
Vesicoureteral reflux 8 (VUR8). Identifiers: Orphanet 289365, MedGen C4014831, MONDO:0014422, OMIM 615963.
Ehlers-Danlos syndrome due to tenascin-X deficiency (EDSCLL1). Also called: EDS DUE TO TNX DEFICIENCY; TNX DEFICIENCY; Ehlers-Danlos syndrome, classic-like, 1; EHLERS-DANLOS SYNDROME, CLASSIC-LIKE; TNXB-Related Classical-Like Ehlers-Danlos Syndrome. Identifiers: Orphanet 230839, MedGen C1848029, MONDO:0011670, OMIM 606408.

Submissions (5):

Women's Health and Genetics/Laboratory Corporation of America, LabCorp
Classification: Likely pathogenic for Vesicoureteral reflux 8. Last evaluated: 2026-05-11. Review status: criteria provided, single submitter. Criteria: LabCorp Variant Classification Summary - May 2015. Collection method: clinical testing. Allele origin: germline.
Comment: Variant summary: TNXB c.6221-2_6221-1delinsCA is located in a canonical splice-site and is predicted to affect mRNA splicing resulting in a significantly altered protein due to either exon skipping, shortening, or inclusion of intronic material. Variants that disrupt the consensus splice site are a relatively common cause of aberrant splicing, however current evidence is not sufficient to establish loss of function as a mechanism for disease. Several computational tools predict a significant impact on normal splicing: four predict the variant abolishes the canonical 3' acceptor site, and strengthens a cryptic exonic 3' acceptor site, 6 nucleotides downstream from the original site (which would result in an in-frame deletion of 2 amino acids in the FN type III repeat domain if this splice-site is utilized). However, these predictions have yet to be confirmed by functional studies. This multi-nucleotide (MNV) variant consists of two neighboring single nucleotide variant (SNVs) and these variants were found with the same frequency, i.e. 2.1e-05 in 1602144 control chromosomes in the gnomAD database (v4.1 dataset). This frequency is not higher than the estimated maximum expected for a pathogenic variant in TNXB causing Vesicoureteral Reflux 8, allowing no conclusion about variant significance. The variant, c.6221-2_6221-1delinsCA, has been reported in the literature in at least one individual affected with vesicoureteral reflux, and joint hypermobility (Tokhmafshan_2020). To our knowledge, no experimental evidence demonstrating an impact on protein function has been reported. The following publication have been ascertained in the context of this evaluation (PMID: 31702543). ClinVar contains an entry for this variant (Variation ID: 3236790). Based on the evidence outlined above, the variant was classified as likely pathogenic.

Labcorp Genetics (formerly Invitae), Labcorp
Classification: Likely pathogenic. Last evaluated: 2025-12-21. Review status: criteria provided, single submitter. Criteria: Invitae Variant Classification Sherloc (09022015). Collection method: clinical testing. Allele origin: germline.
Comment: This sequence change affects a splice site in intron 17 of the TNXB gene. It is expected to disrupt RNA splicing. Variants that disrupt the donor or acceptor splice site typically lead to a loss of protein function (PMID: 16199547), and loss-of-function variants in TNXB are known to be pathogenic (PMID: 9288108, 11642233). Information on the frequency of this variant in the gnomAD database is not available, as this variant may be reported differently in the database. This variant has not been reported in the literature in individuals affected with TNXB-related conditions. ClinVar contains an entry for this variant (Variation ID: 3236790). In summary, the currently available evidence indicates that the variant is pathogenic, but additional data are needed to prove that conclusively. Therefore, this variant has been classified as Likely Pathogenic.

GeneDx
Classification: Uncertain significance. Last evaluated: 2024-09-09. Review status: criteria provided, single submitter. Criteria: GeneDx Variant Classification Process June 2021. Collection method: clinical testing. Allele origin: germline. Affected: yes.
Comment: Canonical splice site variant expected to result in aberrant splicing, although in the absence of functional evidence the actual effect of this sequence change is unknown.; Has not been previously published as pathogenic or benign to our knowledge

Fulgent Genetics
Classification: Likely pathogenic for Ehlers-Danlos syndrome due to tenascin-X deficiency; Vesicoureteral reflux 8. Last evaluated: 2024-06-17. Review status: criteria provided, single submitter. Criteria: ACMG Guidelines, 2015. Collection method: clinical testing. Allele origin: germline.

MVZ Medizinische Genetik Mainz
Classification: Likely pathogenic for Ehlers-Danlos syndrome due to tenascin-X deficiency. Last evaluated: 2022-01-19. Review status: criteria provided, single submitter. Criteria: UK Practice Guidelines For Variant Classification V4 01 2020. Collection method: clinical testing. Allele origin: germline. Inheritance: Autosomal recessive inheritance. Observed: 1 variant allele.
Comment: ACMG Criteria: PVS1, PM2_SUP

Literature cited by the submitters: PubMed 31702543 (cited by Women's Health and Genetics/Laboratory Corporation of America, LabCorp); PubMed 16199547 (cited by Labcorp Genetics (formerly Invitae), Labcorp); PubMed 9288108 (cited by Labcorp Genetics (formerly Invitae), Labcorp); PubMed 11642233 (cited by Labcorp Genetics (formerly Invitae), Labcorp).